The following is an entry in ClinVar:

ClinVar aggregate classification (germline): Uncertain significance (1 of 4 stars; one submission).

Conditions:
SETD1B-related disorder. Also called: SETD1B-related condition.

Submission:

PreventionGenetics, part of Exact Sciences
Classification: Uncertain significance for SETD1B-related condition. Last evaluated: 2026-03-04. Review status: criteria provided, single submitter. Criteria: ACMG Guidelines, 2015. Collection method: clinical testing. Allele origin: germline.
Comment: The SETD1B c.4777G>C variant is predicted to result in the amino acid substitution p.Ala1593Pro. To our knowledge, this variant has not been reported in the literature or in a large population database (gnomAD), indicating this variant is rare. At this time, the clinical significance of this variant is uncertain due to the absence of conclusive functional and genetic evidence.

NM_001353345.2(SETD1B):c.4906G>C (p.Ala1636Pro)

Gene: SETD1B (SET domain containing 1B, histone lysine methyltransferase; plus strand). Cytogenetic location: 12q24.31.
Variant type: single nucleotide variant.
Coding change: c.4906G>C on transcript NM_001353345.2 (MANE Select); coding-DNA position 4906, G replaced by C.
Protein change: p.Ala1636Pro; replaces alanine 1636 with proline.
Molecular consequence: missense variant.
Genome position (GRCh38, 1-based): chr12:121,823,485, G>C. VCF-style: chr12-121823485-G-C. GRCh37 (hg19) VCF-style: chr12-122261391-G-C.
Other names: NM_015048.1:c.4777G>C; short protein forms A1636P.
Identifiers: ClinVar variation 2632306 (VCV002632306.2), dbSNP rs1403758952, ClinGen allele CA387000166.